The following is an entry in ClinVar:

NM_014159.7(SETD2):c.2261C>T (p.Ser754Leu)

Gene: SETD2 (SET domain containing 2, histone lysine methyltransferase; minus strand). Cytogenetic location: 3p21.31.
Variant type: single nucleotide variant.
Coding change: c.2261C>T on transcript NM_014159.7 (MANE Select); coding-DNA position 2261, C replaced by T.
Protein change: p.Ser754Leu; replaces serine 754 with leucine.
Molecular consequence: missense variant. On other transcripts: non-coding transcript variant (1).
Genome position (GRCh38, 1-based): chr3:47,122,375, G>A on the plus strand (C>T on the coding strand, the complement: SETD2 is on the minus strand). VCF-style: chr3-47122375-G-A. GRCh37 (hg19) VCF-style: chr3-47163865-G-A.
Other names: c.2129C>T, p.Ser710Leu (NM_001349370.3); short protein forms S710L, S754L.
Identifiers: ClinVar variation 3391457 (VCV003391457.1).

ClinVar aggregate classification (germline): Uncertain significance (1 of 4 stars; one submission).

Submission:

GeneDx
Classification: Uncertain significance. Last evaluated: 2024-06-22. Review status: criteria provided, single submitter. Criteria: GeneDx Variant Classification Process June 2021. Collection method: clinical testing. Allele origin: germline. Affected: yes.
Comment: Not observed at significant frequency in large population cohorts (gnomAD); In silico analysis indicates that this missense variant does not alter protein structure/function; Has not been previously published as pathogenic or benign to our knowledge